The following is an entry in ClinVar:

ClinVar aggregate classification (germline): Likely pathogenic. Review status: reviewed by expert panel (3 of 4 stars). 2 submissions from 2 submitters: Likely pathogenic (1). 1 of the submissions does not count toward it. Last evaluated 2026-11-20.

Conditions:
RPGR-related retinopathy. Also called: RPGR retinopathy. Identifiers: MedGen CN305589, MONDO:0100437.
Retinitis pigmentosa (RP). Identifiers: Orphanet 791, MedGen C0035334, MeSH D012174, MONDO:0019200, OMIM 268000. Inheritance: Autosomal dominant, autosomal recessive and X linked inheritance.

Submissions (2):

ClinGen X-linked Inherited Retinal Disease Variant Curation Expert Panel, ClinGen
Classification: Likely pathogenic for RPGR-related retinopathy. Last evaluated: 2026-11-20. Review status: reviewed by expert panel. Criteria: ClinGen X LinkedIRD ACMG Specifications RPGR V1.0.0. Collection method: curation. Allele origin: germline. Inheritance: X-linked inheritance.
Comment: NM_001034853.2(RPGR):c.2506dup (p.Glu836GlyfsTer?) is a frameshift variant caused by a 2-nucleotide duplication, which introduces a premature stop codon in exon 15 of 15 that is predicted to disrupt a critical C-terminal region required for proper glutamylation of RPGR (PVS1, PMID: 36445968). This variant is absent from hemizygous individuals in gnomAD v4.1.2 (PM2_Supporting). At least one proband harboring this variant exhibits the following phenotypes, including Required: <30 years old, has ERG showed nondetectable cone and rod response, X-linked inheritance (2 pts), first-decade onset (1 pt), female present milder effect (1 pt), reduced visual acuity (0.5 pts), visual fields constricted (0.5 pts), night blindness (0.5 pts), myopia (0.5 pts), pale to waxy optic disc (0.5 pts), narrow retinal vessels, and bone spicular pigmentations (0.5 pts), which together are specific for RPGR-related retinopathy (7 Points, PMID: 11754050, PP4). The variant has been reported to segregate through at least 3 meioses in one family (PP1_moderate; PMID: 11754050). This variant has been reported in at least three apparently unrelated probands (PMIDs: 16969763, 34906470, 38927702). However, some reported individuals carried alternative variants in RPGR or other genes, which may provide an alternative explanation for their phenotype. The number of individuals meeting the PS4 requirements—a male with functional vision impairment by age 30 and/or decreased or absent ERG responses, or a female with a functional visual abnormality and documentation of a male relative affected with retinitis pigmentosa—was fewer than the minimum of two unrelated qualifying probands. Therefore, PS4_Supporting was not met. In summary, this variant is classified as likely pathogenic for RPGR-related retinopathy based on the ClinGen X-linked Inherited Retinal Disease Expert Panel Specifications to the ACMG/AMP Variant Interpretation Guidelines for RPGR Version 1.0.0; PVS1, PM2_Supporting, PP4, and PP1_Moderate.

Broad Center for Mendelian Genomics, Broad Institute of MIT and Harvard
Classification: Likely pathogenic for Retinitis pigmentosa. Last evaluated: 2021-04-01. Review status: criteria provided, single submitter. Criteria: ACMG Guidelines, 2015. Collection method: curation. Allele origin: germline. Inheritance: X-linked inheritance. Affected: yes. Not counted in ClinVar's aggregate classification.
Comment: Through a review of available evidence we were able to apply the following criteria: PVS1, PM2. Based on this evidence we have classified this variant as Likely Pathogenic. If you have any questions about the classification please reach out to the Pierce Lab.

Literature cited by the submitters: PubMed 34906470 (cited by Broad Center for Mendelian Genomics, Broad Institute of MIT and Harvard).

NM_001034853.2(RPGR):c.2506dup (p.Glu836fs)

Gene: RPGR (retinitis pigmentosa GTPase regulator; minus strand). Cytogenetic location: Xp11.4.
Variant type: Duplication.
Coding change: c.2506dup on transcript NM_001034853.2 (MANE Select); coding-DNA position 2506, one base duplicated (G; older notation c.2506dupG).
Protein change: p.Glu836fs; shifts the reading frame from glutamic acid 836.
Molecular consequence: frameshift variant. On other transcripts: intron variant (8).
Genome position (GRCh38, 1-based): chrX:38,286,493, C duplicated on the plus strand (G on the coding strand, the reverse complement: RPGR is on the minus strand); the first of 5 consecutive C bases (chrX:38,286,493-38,286,497); duplicating any one gives the same sequence. VCF-style (leftmost placement, unchanged base first): chrX-38286492-T-TC. GRCh37 (hg19) VCF-style: chrX-38145745-T-TC.
Other names: NM_001034853.2(RPGR):c.2506dup; p.Glu836fs; c.1569+4462dup (NM_001367249.1, NM_001367250.1); c.1902+597dup (NM_001367245.1); c.1386+4462dup (NM_001367251.1); c.1719+597dup (NM_001367246.1); c.1572+4462dup (NM_001367247.1); c.1905+597dup (NM_000328.3); and 1 more; short protein forms E836fs.
Identifiers: ClinVar variation 1297117 (VCV001297117.3), dbSNP rs1569236971, ClinGen allele CA2499226687.